The following is an entry in ClinVar:

ClinVar aggregate classification (germline): Uncertain significance (1 of 4 stars; one submission).

Submission:

Labcorp Genetics (formerly Invitae), Labcorp
Classification: Uncertain significance. Last evaluated: 2021-12-29. Review status: criteria provided, single submitter. Criteria: Invitae Variant Classification Sherloc (09022015). Collection method: clinical testing. Allele origin: germline.
Comment: In summary, the available evidence is currently insufficient to determine the role of this variant in disease. Therefore, it has been classified as a Variant of Uncertain Significance. Algorithms developed to predict the effect of missense changes on protein structure and function are either unavailable or do not agree on the potential impact of this missense change (SIFT: "Deleterious"; PolyPhen-2: "Probably Damaging"; Align-GVGD: "Class C0"). This variant has not been reported in the literature in individuals affected with DSCAML1-related conditions. This variant is not present in population databases (gnomAD no frequency). This sequence change replaces glycine, which is neutral and non-polar, with valine, which is neutral and non-polar, at codon 823 of the DSCAML1 protein (p.Gly823Val).

NM_020693.4(DSCAML1):c.2288G>T (p.Gly763Val)

Gene: DSCAML1 (DS cell adhesion molecule like 1; minus strand). Cytogenetic location: 11q23.3.
Variant type: single nucleotide variant.
Coding change: c.2288G>T on transcript NM_020693.4 (MANE Select); coding-DNA position 2288, G replaced by T.
Protein change: p.Gly763Val; replaces glycine 763 with valine.
Molecular consequence: missense variant.
Genome position (GRCh38, 1-based): chr11:117,503,916, C>A on the plus strand (G>T on the coding strand, the complement: DSCAML1 is on the minus strand). VCF-style: chr11-117503916-C-A. GRCh37 (hg19) VCF-style: chr11-117374631-C-A.
Other names: c.2288G>T, p.Gly763Val (NM_001367904.1); short protein forms G763V.
Identifiers: ClinVar variation 1946655 (VCV001946655.5), dbSNP rs2543227303, ClinGen allele CA382753507.